The following is an entry in ClinVar:

NM_001369.3(DNAH5):c.439-3C>T

Gene: DNAH5 (dynein axonemal heavy chain 5; minus strand). Cytogenetic location: 5p15.2.
Variant type: single nucleotide variant.
Coding change: c.439-3C>T on transcript NM_001369.3 (MANE Select); 3 bases into the intron before coding-DNA position 439, C replaced by T.
Molecular consequence: intron variant.
Genome position (GRCh38, 1-based): chr5:13,922,331, G>A on the plus strand (C>T on the coding strand, the complement: DNAH5 is on the minus strand). VCF-style: chr5-13922331-G-A. GRCh37 (hg19) VCF-style: chr5-13922440-G-A.
Identifiers: ClinVar variation 2201907 (VCV002201907.1), dbSNP rs781442128, ClinGen allele CA3205176.

ClinVar aggregate classification (germline): Uncertain significance (1 of 4 stars; one submission).

Conditions:
Primary ciliary dyskinesia. Also called: Ciliary dyskinesia. Identifiers: Orphanet 244, MedGen C0008780, MONDO:0016575, HP:0012265.

Allele frequency attached by ClinVar (database versions not stated): TOPMed below 0.00001; gnomAD 0.00001; gnomAD exomes 0.00002; ExAC 0.00004.
gnomAD v4.1: 28 of 1,612,192 alleles (0.0017%); highest among the groups gnomAD compares: South Asian, 0.026%; no homozygotes.

Submission:

Labcorp Genetics (formerly Invitae), Labcorp
Classification: Uncertain significance for Primary ciliary dyskinesia. Last evaluated: 2022-04-23. Review status: criteria provided, single submitter. Criteria: Invitae Variant Classification Sherloc (09022015). Collection method: clinical testing. Allele origin: germline.
Comment: This sequence change falls in intron 4 of the DNAH5 gene. It does not directly change the encoded amino acid sequence of the DNAH5 protein. It affects a nucleotide within the consensus splice site. This variant is present in population databases (rs781442128, gnomAD 0.02%). This variant has not been reported in the literature in individuals affected with DNAH5-related conditions. Variants that disrupt the consensus splice site are a relatively common cause of aberrant splicing (PMID: 17576681, 9536098). Algorithms developed to predict the effect of sequence changes on RNA splicing suggest that this variant is not likely to affect RNA splicing. In summary, the available evidence is currently insufficient to determine the role of this variant in disease. Therefore, it has been classified as a Variant of Uncertain Significance.

Literature cited by the submitters: PubMed 17576681; PubMed 9536098.